The following is an entry in ClinVar:

NM_001130144.3(LTBP3):c.3284G>A (p.Gly1095Asp)

Gene: LTBP3 (latent transforming growth factor beta binding protein 3; minus strand). Cytogenetic location: 11q13.1.
Variant type: single nucleotide variant.
Coding change: c.3284G>A on transcript NM_001130144.3 (MANE Select); coding-DNA position 3284, G replaced by A.
Protein change: p.Gly1095Asp; replaces glycine 1095 with aspartic acid.
Molecular consequence: missense variant. On other transcripts: intron variant (2).
Genome position (GRCh38, 1-based): chr11:65,540,114, C>T on the plus strand (G>A on the coding strand, the complement: LTBP3 is on the minus strand). VCF-style: chr11-65540114-C-T. GRCh37 (hg19) VCF-style: chr11-65307585-C-T.
Other names: c.2893+131G>A (NM_001164266.1); c.3244+131G>A (NM_021070.4); short protein forms G1095D.
Identifiers: ClinVar variation 4623991 (VCV004623991.1).

ClinVar aggregate classification (germline): Uncertain significance (1 of 4 stars; one submission).

Conditions:
Inborn genetic diseases. Identifiers: MedGen C0950123, MeSH D030342.

gnomAD v4.1: 1 of 1,526,900 alleles (0.000065%); highest among the groups gnomAD compares: Non-Finnish European, 0.000088%; no homozygotes.

Submission:

Ambry Genetics
Classification: Uncertain significance for Inborn genetic diseases. Last evaluated: 2025-09-18. Review status: criteria provided, single submitter. Criteria: Ambry Variant Classification Scheme 2023. Collection method: clinical testing. Allele origin: germline.
Comment: The p.G1095D variant (also known as c.3284G>A), located in coding exon 24 of the LTBP3 gene, results from a G to A substitution at nucleotide position 3284. The glycine at codon 1095 is replaced by aspartic acid, an amino acid with similar properties. This amino acid position is conserved. In addition, this alteration is predicted to be deleterious by in silico analysis. Based on the available evidence, the clinical significance of this variant remains unclear.